The following is an entry in ClinVar:

NM_005045.4(RELN):c.8888C>A (p.Thr2963Asn)

Genes: SLC26A5-AS1 (SLC26A5 antisense RNA 1; plus strand), RELN (reelin; minus strand). Cytogenetic location: 7q22.1.
Variant type: single nucleotide variant.
Coding change: c.8888C>A on transcript NM_005045.4 (MANE Select); coding-DNA position 8888, C replaced by A.
Protein change: p.Thr2963Asn; replaces threonine 2963 with asparagine.
Molecular consequence: missense variant.
Genome position (GRCh38, 1-based): chr7:103,497,882, G>T on the plus strand (C>A on the coding strand, the complement: RELN is on the minus strand). VCF-style: chr7-103497882-G-T. GRCh37 (hg19) VCF-style: chr7-103138329-G-T.
Other names: c.8888C>A, p.Thr2963Asn (NM_173054.3); short protein forms T2963N.
Identifiers: ClinVar variation 908256 (VCV000908256.5), dbSNP rs200781285, ClinGen allele CA368752647.

ClinVar aggregate classification (germline): Uncertain significance. Review status: criteria provided, multiple submitters, no conflicts (2 of 4 stars). 2 submissions from 2 submitters: Uncertain significance (2). Last evaluated 2025-07-21.

Conditions:
Familial temporal lobe epilepsy 7. Identifiers: Orphanet 101046, MedGen C4225327, MONDO:0014639, OMIM 616436.
Norman-Roberts syndrome (LIS2). Also called: Lissencephaly 2 (Norman-Roberts type). Identifiers: Orphanet 89844, MedGen C0796089, MONDO:0009760, OMIM 257320.

gnomAD v4.1: 2 of 1,614,126 alleles (0.00012%); highest among the groups gnomAD compares: East Asian, 0.0045%; no homozygotes.

Submissions (2):

Labcorp Genetics (formerly Invitae), Labcorp
Classification: Uncertain significance for Familial temporal lobe epilepsy 7; Norman-Roberts syndrome. Last evaluated: 2025-07-21. Review status: criteria provided, single submitter. Criteria: Invitae Variant Classification Sherloc (09022015). Collection method: clinical testing. Allele origin: germline.
Comment: This sequence change replaces threonine, which is neutral and polar, with asparagine, which is neutral and polar, at codon 2963 of the RELN protein (p.Thr2963Asn). This variant is not present in population databases (gnomAD no frequency). This variant has not been reported in the literature in individuals affected with RELN-related conditions. ClinVar contains an entry for this variant (Variation ID: 908256). Invitae Evidence Modeling of protein sequence and biophysical properties (such as structural, functional, and spatial information, amino acid conservation, physicochemical variation, residue mobility, and thermodynamic stability) indicates that this missense variant is not expected to disrupt RELN protein function with a negative predictive value of 80%. In summary, the available evidence is currently insufficient to determine the role of this variant in disease. Therefore, it has been classified as a Variant of Uncertain Significance.

Illumina Laboratory Services, Illumina
Classification: Uncertain significance for Norman-Roberts syndrome. Last evaluated: 2018-01-13. Review status: criteria provided, single submitter. Criteria: ICSL Variant Classification Criteria 13 December 2019. Collection method: clinical testing. Allele origin: germline.